The following is an entry in ClinVar:

ClinVar aggregate classification (germline): Uncertain significance (1 of 4 stars; one submission).

Conditions:
Hereditary cancer-predisposing syndrome. Also called: Hereditary Cancer Syndrome; Neoplastic Syndromes, Hereditary; Tumor predisposition; Hereditary neoplastic syndrome. Identifiers: Orphanet 140162, MedGen C0027672, MeSH D009386, MONDO:0015356.

Submission:

Ambry Genetics
Classification: Uncertain significance for Hereditary cancer-predisposing syndrome. Last evaluated: 2021-10-09. Review status: criteria provided, single submitter. Criteria: Ambry Variant Classification Scheme 2023. Collection method: clinical testing. Allele origin: germline.
Comment: The p.I175T variant (also known as c.524T>C), located in coding exon 4 of the CTNNA1 gene, results from a T to C substitution at nucleotide position 524. The isoleucine at codon 175 is replaced by threonine, an amino acid with similar properties. This amino acid position is conserved. In addition, this alteration is predicted to be tolerated by in silico analysis. Since supporting evidence is limited at this time, the clinical significance of this alteration remains unclear.

NM_001903.5(CTNNA1):c.524T>C (p.Ile175Thr)

Gene: CTNNA1 (catenin alpha 1; plus strand). Cytogenetic location: 5q31.2.
Variant type: single nucleotide variant.
Coding change: c.524T>C on transcript NM_001903.5 (MANE Select); coding-DNA position 524, T replaced by C.
Protein change: p.Ile175Thr; replaces isoleucine 175 with threonine.
Molecular consequence: missense variant.
Genome position (GRCh38, 1-based): chr5:138,812,238, T>C. VCF-style: chr5-138812238-T-C. GRCh37 (hg19) VCF-style: chr5-138147927-T-C.
Other names: c.524T>C, p.Ile175Thr (NM_001290307.3, NM_001323982.2, NM_001323983.1 and 3 more transcripts); c.215T>C, p.Ile72Thr (NM_001290309.3); c.155T>C, p.Ile52Thr (NM_001290310.3); short protein forms I175T, I52T, I72T.
Identifiers: ClinVar variation 1746355 (VCV001746355.2), dbSNP rs1581119454, ClinGen allele CA361125262.